The following is an entry in ClinVar:

NM_015072.5(TTLL5):c.311A>G (p.His104Arg)

Gene: TTLL5 (tubulin tyrosine ligase like 5; plus strand). Cytogenetic location: 14q24.3.
Variant type: single nucleotide variant.
Coding change: c.311A>G on transcript NM_015072.5 (MANE Select); coding-DNA position 311, A replaced by G.
Protein change: p.His104Arg; replaces histidine 104 with arginine.
Molecular consequence: missense variant.
Genome position (GRCh38, 1-based): chr14:75,683,596, A>G. VCF-style: chr14-75683596-A-G. GRCh37 (hg19) VCF-style: chr14-76149939-A-G.
Other names: short protein forms H104R.
Identifiers: ClinVar variation 1036511 (VCV001036511.10), dbSNP rs1884796366, ClinGen allele CA390452492.

ClinVar aggregate classification (germline): Uncertain significance (1 of 4 stars; one submission).

gnomAD v4.1: 1 of 1,613,988 alleles (0.000062%); highest among the groups gnomAD compares: African/African-American, 0.0013%; no homozygotes.

Submission:

Labcorp Genetics (formerly Invitae), Labcorp
Classification: Uncertain significance. Last evaluated: 2024-11-05. Review status: criteria provided, single submitter. Criteria: Invitae Variant Classification Sherloc (09022015). Collection method: clinical testing. Allele origin: germline.
Comment: This sequence change replaces histidine, which is basic and polar, with arginine, which is basic and polar, at codon 104 of the TTLL5 protein (p.His104Arg). This variant is not present in population databases (gnomAD no frequency). This variant has not been reported in the literature in individuals affected with TTLL5-related conditions. ClinVar contains an entry for this variant (Variation ID: 1036511). Invitae Evidence Modeling of protein sequence and biophysical properties (such as structural, functional, and spatial information, amino acid conservation, physicochemical variation, residue mobility, and thermodynamic stability) has been performed for this missense variant. However, the output from this modeling did not meet the statistical confidence thresholds required to predict the impact of this variant on TTLL5 protein function. In summary, the available evidence is currently insufficient to determine the role of this variant in disease. Therefore, it has been classified as a Variant of Uncertain Significance.